The following is an entry in ClinVar:

ClinVar aggregate classification (germline): Benign. Review status: criteria provided, multiple submitters, no conflicts (2 of 4 stars). 3 submissions from 3 submitters: Benign (3). Last evaluated 2026-02-04.

Conditions:
MHC class I deficiency. Identifiers: Orphanet 34592, MedGen C6024714, MONDO:0011476.

Allele frequency attached by ClinVar (database versions not stated): TOPMed 0.25569; gnomAD 0.25585 and 0.26176; 1000 Genomes Project 30x 0.29685; gnomAD exomes 0.30306 and 0.27002; ESP Exome Variant Server 0.23635; ExAC 0.29776; 1000 Genomes Project 0.29912.

Submissions (3):

Labcorp Genetics (formerly Invitae), Labcorp
Classification: Benign for MHC class I deficiency 1. Last evaluated: 2026-02-04. Review status: criteria provided, single submitter. Criteria: Invitae Variant Classification Sherloc (09022015). Collection method: clinical testing. Allele origin: germline.

Women's Health and Genetics/Laboratory Corporation of America, LabCorp
Classification: Benign. Last evaluated: 2026-01-21. Review status: criteria provided, single submitter. Criteria: LabCorp Variant Classification Summary - May 2015. Collection method: clinical testing. Allele origin: germline.

Laboratory for Molecular Medicine, Mass General Brigham Personalized Medicine
Classification: Benign. Last evaluated: 2016-03-28. Review status: criteria provided, single submitter. Criteria: LMM Criteria. Collection method: clinical testing. Allele origin: germline.
Comment: Variant identified in a genome or exome case(s) and assessed due to predicted null impact of the variant or pathogenic assertions in the literature or databases. Disclaimer: This variant has not undergone full assessment. The following are preliminary notes: Frequency

NM_001290043.2(TAP2):c.1812A>G (p.Gly604=)

Gene: TAP2 (transporter 2, ATP binding cassette subfamily B member; minus strand). Cytogenetic location: 6p21.32.
Variant type: single nucleotide variant.
Coding change: c.1812A>G on transcript NM_001290043.2 (MANE Select); coding-DNA position 1812, A replaced by G.
Protein change: p.Gly604=; no amino-acid change (glycine 604 retained).
Molecular consequence: synonymous variant.
Genome position (GRCh38, 1-based): chr6:32,829,520, T>C on the plus strand (A>G on the coding strand, the complement: TAP2 is on the minus strand). VCF-style: chr6-32829520-T-C. GRCh37 (hg19) VCF-style: chr6-32797297-T-C.
Other names: c.1812A>G, p.Gly604= (NM_000544.3, NM_018833.3).
Identifiers: ClinVar variation 403513 (VCV000403513.14), dbSNP rs241441, ClinGen allele CA3745787.
Genomic context (GRCh38, chr6:32,829,520, plus strand): 5'-GTCTCGTACAAGGGCCCGGGCAATGGCCAGACGTTGTTTCTGTCCCGCAGCCAGCTGGCT[T>C]CCCTTCTCCCCTACATCTGAGGAAATCAGAGAAATTCCCTTCCTCAGATACAAGTGACAC-3'
Protein context (NP_001276972.1, residues 594-614): HGIYTDVGEK[Gly604=]SQLAAGQKQR